The following is an entry in ClinVar:

NM_000553.6(WRN):c.1518AGA[6] (p.Glu510dup)

Gene: WRN (WRN RecQ like helicase; plus strand). Cytogenetic location: 8p12.
Variant type: Microsatellite.
Coding change: c.1518AGA[6] on transcript NM_000553.6 (MANE Select); six copies in a row of the 3-base unit AGA starting at c.1518; the reference has five copies in a row; one copy, 3 bases duplicated; also written c.1530_1532dup.
Protein change: p.Glu510dup; duplicates glutamic acid 510.
Molecular consequence: inframe insertion.
Genome position (GRCh38, 1-based): chr8:31,087,874-31,087,876, AGA duplicated; duplicating any 3 consecutive bases within chr8:31,087,861-31,087,876 gives the same sequence; the position shown is the placement nearest the transcript's 3' end. VCF-style (leftmost placement, unchanged base first): chr8-31087860-A-AAAG. GRCh37 (hg19) VCF-style: chr8-30945376-A-AAAG.
Other names: c.1530_1532dup (NM_000553.4).
Identifiers: ClinVar variation 404028 (VCV000404028.7), dbSNP rs781777438, ClinGen allele CA16612426.
Genomic context (GRCh38, chr8:31,087,860, plus strand): 5'-ACGGTAGAACCAACTCATTCTAAATGCTTAAAAATGGAAAGAAATCTGGGTCTTCCTACT[A>AAAG]AAGAAGAAGAAGAAGATGATGAAAATGAAGCTAATGAAGGGGAAGAAGATGATGATAAGG-3'

ClinVar aggregate classification (germline): Uncertain significance (1 of 4 stars; one submission).

Conditions:
Werner syndrome (WRN). Identifiers: Orphanet 902, MedGen C0043119, MONDO:0010196, OMIM 277700.

Submission:

Labcorp Genetics (formerly Invitae), Labcorp
Classification: Uncertain significance for Werner syndrome. Last evaluated: 2024-04-16. Review status: criteria provided, single submitter. Criteria: Invitae Variant Classification Sherloc (09022015). Collection method: clinical testing. Allele origin: germline.
Comment: This variant, c.1530_1532dup, results in the insertion of 1 amino acid(s) of the WRN protein (p.Glu510dup), but otherwise preserves the integrity of the reading frame. This variant is present in population databases (no rsID available, gnomAD 0.009%). This variant has not been reported in the literature in individuals affected with WRN-related conditions. ClinVar contains an entry for this variant (Variation ID: 404028). Experimental studies and prediction algorithms are not available or were not evaluated, and the functional significance of this variant is currently unknown. In summary, the available evidence is currently insufficient to determine the role of this variant in disease. Therefore, it has been classified as a Variant of Uncertain Significance.